The following is an entry in ClinVar:

ClinVar aggregate classification (germline): Uncertain significance (1 of 4 stars; one submission).

Submission:

Labcorp Genetics (formerly Invitae), Labcorp
Classification: Uncertain significance. Last evaluated: 2022-05-06. Review status: criteria provided, single submitter. Criteria: Invitae Variant Classification Sherloc (09022015). Collection method: clinical testing. Allele origin: germline.
Comment: This sequence change replaces threonine, which is neutral and polar, with asparagine, which is neutral and polar, at codon 454 of the ERCC6L2 protein (p.Thr454Asn). This variant is not present in population databases (gnomAD no frequency). This variant has not been reported in the literature in individuals affected with ERCC6L2-related conditions. Algorithms developed to predict the effect of missense changes on protein structure and function are either unavailable or do not agree on the potential impact of this missense change (SIFT: "Tolerated"; PolyPhen-2: "Not Available"; Align-GVGD: "Class C0"). In summary, the available evidence is currently insufficient to determine the role of this variant in disease. Therefore, it has been classified as a Variant of Uncertain Significance.

NM_020207.7(ERCC6L2):c.1328C>A (p.Thr443Asn)

Gene: ERCC6L2 (ERCC excision repair 6 like 2; plus strand). Cytogenetic location: 9q22.32.
Variant type: single nucleotide variant.
Coding change: c.1328C>A on transcript NM_020207.7 (MANE Select); coding-DNA position 1328, C replaced by A.
Protein change: p.Thr443Asn; replaces threonine 443 with asparagine.
Molecular consequence: missense variant. On other transcripts: non-coding transcript variant (1).
Genome position (GRCh38, 1-based): chr9:95,922,333, C>A. VCF-style: chr9-95922333-C-A. GRCh37 (hg19) VCF-style: chr9-98684615-C-A.
Other names: c.1328C>A, p.Thr443Asn (NM_001010895.4, NM_001375291.1, NM_001375292.1 and 2 more transcripts); short protein forms T443N.
Identifiers: ClinVar variation 2134872 (VCV002134872.4), dbSNP rs2490180972, ClinGen allele CA374124320.